The following is an entry in ClinVar:

ClinVar aggregate classification (germline): Uncertain significance (1 of 4 stars; one submission).

Conditions:
Developmental and epileptic encephalopathy 94 (DEE94). Also called: Epileptic encephalopathy, childhood-onset; CHD2-Related Neurodevelopmental Disorders. Identifiers: Orphanet 1942, Orphanet 2382, MedGen C3809278, MONDO:0014150, OMIM 615369.

Allele frequency attached by ClinVar (database versions not stated): gnomAD exomes below 0.00001.
gnomAD v4.1: 2 of 1,607,292 alleles (0.00012%); highest among the groups gnomAD compares: Non-Finnish European, 0.000085%; no homozygotes.

Submission:

Baylor Genetics
Classification: Uncertain significance for Developmental and epileptic encephalopathy 94. Last evaluated: 2018-03-14. Review status: criteria provided, single submitter. Criteria: ACMG Guidelines, 2015. Collection method: clinical testing. Allele origin: paternal. Affected: yes.
Comment: This variant was determined to be of uncertain significance according to ACMG Guidelines, 2015 [PMID:25741868].

NM_001271.4(CHD2):c.4637G>A (p.Arg1546Gln)

Gene: CHD2 (chromodomain helicase DNA binding protein 2; plus strand). Cytogenetic location: 15q26.1.
Variant type: single nucleotide variant.
Coding change: c.4637G>A on transcript NM_001271.4 (MANE Select); coding-DNA position 4637, G replaced by A.
Protein change: p.Arg1546Gln; replaces arginine 1546 with glutamine.
Molecular consequence: missense variant.
Genome position (GRCh38, 1-based): chr15:93,012,389, G>A. VCF-style: chr15-93012389-G-A. GRCh37 (hg19) VCF-style: chr15-93555619-G-A.
Other names: short protein forms R1546Q.
Identifiers: ClinVar variation 1031952 (VCV001031952.1), dbSNP rs1430565994, ClinGen allele CA393905139.
Genomic context (GRCh38, chr15:93,012,389, plus strand): 5'-TCATTTTTCTTTTTAGGAACCTATGGATTTTTGTTTCCAAGTTTACAGAATTTGATGCTC[G>A]AAAACTGCATAAGTTATACAAGATGGCTCATAAGAAAAGGTCTCAAGAAGAAGAGGTAAA-3'
Protein context (NP_001262.3, residues 1536-1556): FVSKFTEFDA[Arg1546Gln]KLHKLYKMAH